The following is an entry in ClinVar:

NM_000316.3(PTH1R):c.816C>G (p.Ala272=)

Gene: PTH1R (parathyroid hormone 1 receptor; plus strand). Cytogenetic location: 3p21.31.
Variant type: single nucleotide variant.
Coding change: c.816C>G on transcript NM_000316.3 (MANE Select); coding-DNA position 816, C replaced by G.
Protein change: p.Ala272=; no amino-acid change (alanine 272 retained).
Molecular consequence: synonymous variant.
Genome position (GRCh38, 1-based): chr3:46,898,839, C>G. VCF-style: chr3-46898839-C-G. GRCh37 (hg19) VCF-style: chr3-46940329-C-G.
Other names: c.816C>G, p.Ala272= (NM_001184744.1).
Identifiers: ClinVar variation 3031337 (VCV003031337.2), dbSNP rs2545040361, ClinGen allele CA433471842.

ClinVar aggregate classification (germline): Likely benign (0 of 4 stars; one submission).

Conditions:
PTH1R-related disorder. Also called: PTH1R-related condition.

Submission:

PreventionGenetics, part of Exact Sciences
Classification: Likely benign for PTH1R-related condition. Last evaluated: 2020-12-09. Review status: no assertion criteria provided. Collection method: clinical testing. Allele origin: germline.
Comment: This variant is classified as likely benign based on ACMG/AMP sequence variant interpretation guidelines (Richards et al. 2015 PMID: 25741868, with internal and published modifications).